The following is an entry in ClinVar:

NM_000217.3(KCNA1):c.*5141G>A

Gene: KCNA1 (potassium voltage-gated channel subfamily A member 1; plus strand). Cytogenetic location: 12p13.32.
Variant type: single nucleotide variant.
Coding change: c.*5141G>A on transcript NM_000217.3 (MANE Select); 5141 bases downstream of the stop codon, G replaced by A.
Molecular consequence: 3 prime UTR variant.
Genome position (GRCh38, 1-based): chr12:4,918,007, G>A. VCF-style: chr12-4918007-G-A. GRCh37 (hg19) VCF-style: chr12-5027173-G-A.
Identifiers: ClinVar variation 309223 (VCV000309223.9), dbSNP rs41482147, ClinGen allele CA10641615.
Genomic context (GRCh38, chr12:4,918,007, plus strand): 5'-TTGAGTAGTATTAATTTAAAGTGCACCATCAGGACAACAAACCATTTAAGCTGAAAAAAC[G>A]CTATTTTATTTCTTGAGTTTGCCAGTTGCTTCCACCTTGAGTTAAGGACGTGTCTCATCT-3'

ClinVar aggregate classification (germline): Benign. Review status: criteria provided, multiple submitters, no conflicts (2 of 4 stars). 3 submissions from 3 submitters: Benign (3). Last evaluated 2021-05-12.

Conditions:
Episodic ataxia type 1 (EA1). Also called: ATAXIA, EPISODIC, WITH MYOKYMIA; MYOKYMIA WITH PERIODIC ATAXIA; PAROXYSMAL ATAXIA WITH NEUROMYOTONIA, HEREDITARY; Episodic ataxia/myokymia syndrome. Identifiers: Orphanet 37612, Orphanet 972, MedGen C1719788, MONDO:0008047, OMIM 160120.

Allele frequency attached by ClinVar (database versions not stated): gnomAD 0.04492; TOPMed 0.05009; gnomAD exomes 0.05101; 1000 Genomes Project 30x 0.05918; 1000 Genomes Project 0.06050.

Submissions (3):

GeneDx
Classification: Benign. Last evaluated: 2021-05-12. Review status: criteria provided, single submitter. Criteria: GeneDx Variant Classification Process June 2021. Collection method: clinical testing. Allele origin: germline. Affected: yes.

Illumina Laboratory Services, Illumina
Classification: Benign for Episodic ataxia type 1. Last evaluated: 2018-01-13. Review status: criteria provided, single submitter. Criteria: ICSL Variant Classification Criteria 13 December 2019. Collection method: clinical testing. Allele origin: germline.
Comment: This variant was observed in the ICSL laboratory as part of a predisposition screen in an ostensibly healthy population. It had not been previously curated by ICSL or reported in the Human Gene Mutation Database (HGMD: prior to June 1st, 2018), and was therefore a candidate for classification through an automated scoring system. Utilizing variant allele frequency, disease prevalence and penetrance estimates, and inheritance mode, an automated score was calculated to assess if this variant is too frequent to cause the disease. Based on the score and internal cut-off values, a variant classified as benign is not then subjected to further curation. The score for this variant resulted in a classification of benign for this disease.

Breakthrough Genomics
Classification: Benign. Review status: criteria provided, single submitter. Criteria: ACMG Guidelines, 2015. Collection method: not provided. Allele origin: germline. Inheritance: Autosomal dominant inheritance. Affected: yes.